The following is an entry in ClinVar:

NM_207352.4(CYP4V2):c.1329G>A (p.Arg443=)

Gene: CYP4V2 (cytochrome P450 family 4 subfamily V member 2; plus strand). Cytogenetic location: 4q35.2.
Variant type: single nucleotide variant.
Coding change: c.1329G>A on transcript NM_207352.4 (MANE Select); coding-DNA position 1329, G replaced by A.
Protein change: p.Arg443=; no amino-acid change (arginine 443 retained).
Molecular consequence: synonymous variant.
Genome position (GRCh38, 1-based): chr4:186,209,196, G>A. VCF-style: chr4-186209196-G-A. GRCh37 (hg19) VCF-style: chr4-187130350-G-A.
Other names: c.1329G>A (NM_207352.3).
Identifiers: ClinVar variation 1170441 (VCV001170441.11), dbSNP rs150506310, ClinGen allele CA3162831.

ClinVar aggregate classification (germline): Benign/Likely benign. Review status: criteria provided, multiple submitters, no conflicts (2 of 4 stars). 3 submissions from 3 submitters: Benign (1); Likely benign (2). Last evaluated 2026-01-05.

Conditions:
CYP4V2-related disorder. Also called: CYP4V2-related condition; CYP4V2-related disorders.

Allele frequency attached by ClinVar (database versions not stated): gnomAD exomes 0.00021; ExAC 0.00026; gnomAD 0.00064 and 0.00067; TOPMed 0.00076; ESP Exome Variant Server 0.00085; 1000 Genomes Project 30x 0.00141; 1000 Genomes Project 0.00160.

Submissions (3):

Labcorp Genetics (formerly Invitae), Labcorp
Classification: Benign. Last evaluated: 2026-01-05. Review status: criteria provided, single submitter. Criteria: Invitae Variant Classification Sherloc (09022015). Collection method: clinical testing. Allele origin: germline.

PreventionGenetics, part of Exact Sciences
Classification: Likely benign for CYP4V2-related condition. Last evaluated: 2024-10-09. Review status: criteria provided, single submitter. Criteria: ACMG Guidelines, 2015. Collection method: clinical testing. Allele origin: germline.
Comment: This variant is classified as likely benign based on ACMG/AMP sequence variant interpretation guidelines (Richards et al. 2015 PMID: 25741868, with internal and published modifications).

Blueprint Genetics
Classification: Likely benign. Last evaluated: 2024-09-02. Review status: criteria provided, single submitter. Criteria: ACMG Guidelines, 2015. Collection method: clinical testing. Allele origin: germline.